The following is an entry in ClinVar:

ClinVar aggregate classification (germline): Benign/Likely benign. Review status: criteria provided, multiple submitters, no conflicts (2 of 4 stars). 9 submissions from 9 submitters: Benign (5); Likely benign (4). Last evaluated 2026-02-02.

Conditions:
Loeys-Dietz syndrome (LDS). Identifiers: Orphanet 60030, MedGen C2697932, MONDO:0018954.
Familial thoracic aortic aneurysm and aortic dissection (TAAD). Also called: Thoracic aortic aneurysms and dissections. Identifiers: Orphanet 91387, MedGen C4707243, MONDO:0019625.
Multiple self-healing squamous epithelioma (MSSE). Also called: MULTIPLE SELF-HEALING SQUAMOUS EPITHELIOMA, SUSCEPTIBILITY TO. Identifiers: Orphanet 65748, MedGen C0546476, MONDO:0007566, OMIM 132800.

Allele frequency attached by ClinVar (database versions not stated): ESP Exome Variant Server 0.00015; gnomAD 0.00022 and 0.00025; gnomAD exomes 0.00024 and 0.00065; TOPMed 0.00044; ExAC 0.00061; 1000 Genomes Project 0.00140; 1000 Genomes Project 30x 0.00141.
gnomAD v4.1: 388 of 1,614,048 alleles (0.024%); highest among the groups gnomAD compares: East Asian, 0.79%; no homozygotes.

Submissions (9):

Labcorp Genetics (formerly Invitae), Labcorp
Classification: Benign for Familial thoracic aortic aneurysm and aortic dissection. Last evaluated: 2026-02-02. Review status: criteria provided, single submitter. Criteria: Invitae Variant Classification Sherloc (09022015). Collection method: clinical testing. Allele origin: germline.

KCCC/NGS Laboratory, Kuwait Cancer Control Center
Classification: Benign for Multiple self-healing squamous epithelioma. Last evaluated: 2025-02-01. Review status: criteria provided, single submitter. Criteria: ACMG Guidelines, 2015. Collection method: clinical testing. Allele origin: germline. Affected: no.

Blueprint Genetics
Classification: Likely benign. Last evaluated: 2024-06-13. Review status: criteria provided, single submitter. Criteria: ACMG Guidelines, 2015. Collection method: clinical testing. Allele origin: germline.

All of Us Research Program, National Institutes of Health
Classification: Benign for Loeys-Dietz syndrome. Last evaluated: 2024-02-05. Review status: criteria provided, single submitter. Criteria: ACMG Guidelines, 2015. Collection method: clinical testing. Allele origin: germline. Inheritance: Autosomal dominant inheritance. Observed: 35 variant alleles, 35 heterozygotes.
Comment: This study involves interpretation of variants in research participants for the purpose of population health screening. Participant phenotype was not available at the time of variant classification. Additional details can be found in publication PMID: 35346344, PMCID: PMC8962531

GeneDx
Classification: Likely benign. Last evaluated: 2020-09-11. Review status: criteria provided, single submitter. Criteria: GeneDx Variant Classification Process June 2021. Collection method: clinical testing. Allele origin: germline. Affected: yes.

Color Diagnostics, LLC DBA Color Health
Classification: Benign for Familial thoracic aortic aneurysm and aortic dissection. Last evaluated: 2018-04-13. Review status: criteria provided, single submitter. Criteria: ACMG Guidelines, 2015. Collection method: clinical testing. Allele origin: germline.

Ambry Genetics
Classification: Benign for Familial thoracic aortic aneurysm and aortic dissection. Last evaluated: 2015-09-14. Review status: criteria provided, single submitter. Criteria: Ambry Variant Classification Scheme 2023. Collection method: clinical testing. Allele origin: germline.

Laboratory for Molecular Medicine, Mass General Brigham Personalized Medicine
Classification: Likely benign. Last evaluated: 2009-06-07. Review status: criteria provided, single submitter. Criteria: LMM Criteria. Collection method: clinical testing. Allele origin: germline. Observed: 2 variant alleles.

Breakthrough Genomics
Classification: Likely benign. Review status: criteria provided, single submitter. Criteria: ACMG Guidelines, 2015. Collection method: not provided. Allele origin: germline. Inheritance: Autosomal dominant inheritance. Affected: yes.

NM_004612.4(TGFBR1):c.1032T>C (p.Asn344=)

Gene: TGFBR1 (transforming growth factor beta receptor 1; plus strand). Cytogenetic location: 9q22.33.
Variant type: single nucleotide variant.
Coding change: c.1032T>C on transcript NM_004612.4 (MANE Select); coding-DNA position 1032, T replaced by C.
Protein change: p.Asn344=; no amino-acid change (asparagine 344 retained).
Molecular consequence: synonymous variant.
Genome position (GRCh38, 1-based): chr9:99,144,790, T>C. VCF-style: chr9-99144790-T-C. GRCh37 (hg19) VCF-style: chr9-101907072-T-C.
Other names: c.801T>C, p.Asn267= (NM_001130916.3); c.1044T>C, p.Asn348= (NM_001306210.2).
Identifiers: ClinVar variation 45093 (VCV000045093.39), dbSNP rs192662552, ClinGen allele CA008697.